The following is an entry in ClinVar:

NM_001130987.2(DYSF):c.2626T>A (p.Phe876Ile)

Gene: DYSF (dysferlin; plus strand). Cytogenetic location: 2p13.2.
Variant type: single nucleotide variant.
Coding change: c.2626T>A on transcript NM_001130987.2 (MANE Select); coding-DNA position 2626, T replaced by A.
Protein change: p.Phe876Ile; replaces phenylalanine 876 with isoleucine.
Molecular consequence: missense variant.
Genome position (GRCh38, 1-based): chr2:71,568,011, T>A. VCF-style: chr2-71568011-T-A. GRCh37 (hg19) VCF-style: chr2-71795141-T-A.
Other names: c.2623T>A, p.Phe875Ile (NM_001130981.2, NM_001130980.2); c.2668T>A, p.Phe890Ile (NM_001130982.2); c.2575T>A, p.Phe859Ile (NM_001130983.2, NM_001130455.2); c.2533T>A, p.Phe845Ile (NM_001130984.2, NM_001130986.2); c.2626T>A, p.Phe876Ile (NM_001130985.2); c.2572T>A, p.Phe858Ile (NM_003494.4, NM_001130978.2); c.2530T>A, p.Phe844Ile (NM_001130976.2, NM_001130977.2); c.2665T>A, p.Phe889Ile (NM_001130979.2); short protein forms F844I, F845I, F858I, F859I, F875I, F876I, F889I, F890I.
Identifiers: ClinVar variation 4806182 (VCV004806182.1).

ClinVar aggregate classification (germline): Uncertain significance (1 of 4 stars; one submission).

Conditions:
Neuromuscular disease caused by qualitative or quantitative defects of dysferlin. Also called: Qualitative or quantitative defects of dysferlin; Dysferlinopathy. Identifiers: Orphanet 207073, MedGen C2931687, MONDO:0016145.

gnomAD v4.1: 1 of 1,614,044 alleles (0.000062%); no homozygotes.

Submission:

Labcorp Genetics (formerly Invitae), Labcorp
Classification: Uncertain significance for Neuromuscular disease caused by qualitative or quantitative defects of dysferlin. Last evaluated: 2025-03-22. Review status: criteria provided, single submitter. Criteria: Invitae Variant Classification Sherloc (09022015). Collection method: clinical testing. Allele origin: germline.
Comment: This sequence change replaces phenylalanine, which is neutral and non-polar, with isoleucine, which is neutral and non-polar, at codon 858 of the DYSF protein (p.Phe858Ile). This variant is not present in population databases (gnomAD no frequency). This variant has not been reported in the literature in individuals affected with DYSF-related conditions. Invitae Evidence Modeling of protein sequence and biophysical properties (such as structural, functional, and spatial information, amino acid conservation, physicochemical variation, residue mobility, and thermodynamic stability) indicates that this missense variant is not expected to disrupt DYSF protein function with a negative predictive value of 80%. In summary, the available evidence is currently insufficient to determine the role of this variant in disease. Therefore, it has been classified as a Variant of Uncertain Significance.